The following is an entry in ClinVar:

ClinVar aggregate classification (germline): Uncertain significance (1 of 4 stars; one submission).

Conditions:
FG syndrome (FGS). Identifiers: MedGen C0220769, MONDO:0002010.

Submission:

Labcorp Genetics (formerly Invitae), Labcorp
Classification: Uncertain significance for FG syndrome. Last evaluated: 2025-02-02. Review status: criteria provided, single submitter. Criteria: Invitae Variant Classification Sherloc (09022015). Collection method: clinical testing. Allele origin: germline.
Comment: This variant, c.6171_6176dup, results in the insertion of 2 amino acid(s) of the MED12 protein (p.Gln2075_Gln2076dup), but otherwise preserves the integrity of the reading frame. This variant is not present in population databases (gnomAD no frequency). This variant has not been reported in the literature in individuals affected with MED12-related conditions. In summary, the available evidence is currently insufficient to determine the role of this variant in disease. Therefore, it has been classified as a Variant of Uncertain Significance.

NM_005120.3(MED12):c.6171GCA[4] (p.Gln2076_Tyr2077insGlnGln)

Gene: MED12 (mediator complex subunit 12; plus strand). Cytogenetic location: Xq13.1.
Variant type: Microsatellite.
Coding change: c.6171GCA[4] on transcript NM_005120.3 (MANE Select); four copies in a row of the 3-base unit GCA starting at c.6171; the reference has two copies in a row; two copies, 6 bases duplicated.
Protein change: p.Gln2076_Tyr2077insGlnGln.
Molecular consequence: inframe insertion.
Genome position (GRCh38, 1-based): chrX:71,140,761-71,140,766, GCAGCA duplicated; duplicating any 6 consecutive bases within chrX:71,140,759-71,140,766 gives the same sequence; the position shown is the placement nearest the transcript's 3' end. VCF-style (leftmost placement, unchanged base first): chrX-71140758-A-ACAGCAG. GRCh37 (hg19) VCF-style: chrX-70360608-A-ACAGCAG.
Identifiers: ClinVar variation 4804371 (VCV004804371.1).